The following is an entry in ClinVar:

NM_018993.4(RIN2):c.496G>A (p.Ala166Thr)

Gene: RIN2 (Ras and Rab interactor 2; plus strand). Cytogenetic location: 20p11.23.
Variant type: single nucleotide variant.
Coding change: c.496G>A on transcript NM_018993.4 (MANE Select); coding-DNA position 496, G replaced by A.
Protein change: p.Ala166Thr; replaces alanine 166 with threonine.
Molecular consequence: missense variant. On other transcripts: intron variant (1).
Genome position (GRCh38, 1-based): chr20:19,964,984, G>A. VCF-style: chr20-19964984-G-A. GRCh37 (hg19) VCF-style: chr20-19945628-G-A.
Other names: c.643G>A, p.Ala215Thr (NM_001242581.2); c.-83+4173G>A (NM_001378238.1); short protein forms A166T, A215T.
Identifiers: ClinVar variation 3381739 (VCV003381739.1).

ClinVar aggregate classification (germline): Uncertain significance (1 of 4 stars; one submission).

gnomAD v4.1: 17 of 1,613,410 alleles (0.0011%); highest among the groups gnomAD compares: East Asian, 0.0067%; no homozygotes.

Submission:

GeneDx
Classification: Uncertain significance. Last evaluated: 2024-05-21. Review status: criteria provided, single submitter. Criteria: GeneDx Variant Classification Process June 2021. Collection method: clinical testing. Allele origin: germline. Affected: yes.
Comment: Has not been previously published as pathogenic or benign to our knowledge; Not observed at significant frequency in large population cohorts (gnomAD); In silico analysis indicates that this missense variant does not alter protein structure/function; In silico analysis is inconclusive as to whether the variant alters gene splicing. In the absence of RNA/functional studies, the actual effect of this sequence change is unknown.